The following is an entry in ClinVar:

ClinVar aggregate classification (germline): Uncertain significance (1 of 4 stars; one submission).

Conditions:
Propionic acidemia (PROP). Also called: GLYCINEMIA, KETOTIC; HYPERGLYCINEMIA WITH KETOACIDOSIS AND LEUKOPENIA; KETOTIC HYPERGLYCINEMIA. Identifiers: Orphanet 35, MedGen C0268579, MONDO:0011628, OMIM 606054, HP:0003571.

gnomAD v4.1: 10 of 1,613,972 alleles (0.00062%); highest among the groups gnomAD compares: Non-Finnish European, 0.00085%; no homozygotes.

Submission:

Labcorp Genetics (formerly Invitae), Labcorp
Classification: Uncertain significance for Propionic acidemia. Last evaluated: 2024-06-04. Review status: criteria provided, single submitter. Criteria: Invitae Variant Classification Sherloc (09022015). Collection method: clinical testing. Allele origin: germline.
Comment: This sequence change replaces asparagine, which is neutral and polar, with aspartic acid, which is acidic and polar, at codon 335 of the PCCB protein (p.Asn335Asp). This variant is present in population databases (rs375456332, gnomAD 0.0009%). This variant has not been reported in the literature in individuals affected with PCCB-related conditions. Advanced modeling of protein sequence and biophysical properties (such as structural, functional, and spatial information, amino acid conservation, physicochemical variation, residue mobility, and thermodynamic stability) performed at Invitae indicates that this missense variant is not expected to disrupt PCCB protein function with a negative predictive value of 95%. In summary, the available evidence is currently insufficient to determine the role of this variant in disease. Therefore, it has been classified as a Variant of Uncertain Significance.

NM_000532.5(PCCB):c.1003A>G (p.Asn335Asp)

Gene: PCCB (propionyl-CoA carboxylase subunit beta; plus strand). Cytogenetic location: 3q22.3.
Variant type: single nucleotide variant.
Coding change: c.1003A>G on transcript NM_000532.5 (MANE Select); coding-DNA position 1003, A replaced by G.
Protein change: p.Asn335Asp; replaces asparagine 335 with aspartic acid.
Molecular consequence: missense variant.
Genome position (GRCh38, 1-based): chr3:136,316,977, A>G. VCF-style: chr3-136316977-A-G. GRCh37 (hg19) VCF-style: chr3-136035819-A-G.
Other names: c.1063A>G, p.Asn355Asp (NM_001178014.2); short protein forms N335D, N355D.
Identifiers: ClinVar variation 3625367 (VCV003625367.2).